The following is an entry in ClinVar:

NM_000256.3(MYBPC3):c.688C>T (p.Gln230Ter)

Gene: MYBPC3 (myosin binding protein C3; minus strand). Cytogenetic location: 11p11.2.
Variant type: single nucleotide variant.
Coding change: c.688C>T on transcript NM_000256.3 (MANE Select); coding-DNA position 688, C replaced by T.
Protein change: p.Gln230Ter; replaces glutamine 230 with a stop codon.
Molecular consequence: nonsense.
Genome position (GRCh38, 1-based): chr11:47,348,508, G>A on the plus strand (C>T on the coding strand, the complement: MYBPC3 is on the minus strand). VCF-style: chr11-47348508-G-A. GRCh37 (hg19) VCF-style: chr11-47370059-G-A.
Other names: short protein forms Q230*.
Identifiers: ClinVar variation 2109962 (VCV002109962.4), dbSNP rs2495776914, ClinGen allele CA380336196.
Genomic context (GRCh38, chr11:47,348,508, plus strand): 5'-AGCAGTCAAATTTGTCCTTGGTGGACACCTCACAGCGGTAGCTGCCAGTGAAGGCAGGCT[G>A]GGCATCGGTGATGTGCAGCTCGAACAGATAGACCTGTGTGCATGGAGGGACGGGGCGTCA-3'

ClinVar aggregate classification (germline): Pathogenic (1 of 4 stars; one submission).

Conditions:
Hypertrophic cardiomyopathy. Also called: HYPERTROPHIC MYOCARDIOPATHY. Identifiers: Orphanet 217569, MedGen C0007194, MeSH D002312, MONDO:0005045, HP:0001639.

Submission:

Labcorp Genetics (formerly Invitae), Labcorp
Classification: Pathogenic for Hypertrophic cardiomyopathy. Last evaluated: 2022-03-12. Review status: criteria provided, single submitter. Criteria: Invitae Variant Classification Sherloc (09022015). Collection method: clinical testing. Allele origin: germline.
Comment: This sequence change creates a premature translational stop signal (p.Gln230*) in the MYBPC3 gene. It is expected to result in an absent or disrupted protein product. Loss-of-function variants in MYBPC3 are known to be pathogenic (PMID: 19574547). This variant is not present in population databases (gnomAD no frequency). For these reasons, this variant has been classified as Pathogenic. This variant has not been reported in the literature in individuals affected with MYBPC3-related conditions.

Literature cited by the submitters: PubMed 19574547.